The following is an entry in ClinVar:

ClinVar aggregate classification (germline): Uncertain significance (1 of 4 stars; one submission).

Allele frequency attached by ClinVar (database versions not stated): gnomAD exomes below 0.00001; ExAC 0.00001.
gnomAD v4.1: 1 of 1,613,838 alleles (0.000062%); highest among the groups gnomAD compares: Non-Finnish European, 0.000085%; no homozygotes.

Submission:

Labcorp Genetics (formerly Invitae), Labcorp
Classification: Uncertain significance. Last evaluated: 2021-11-19. Review status: criteria provided, single submitter. Criteria: Invitae Variant Classification Sherloc (09022015). Collection method: clinical testing. Allele origin: germline.
Comment: This sequence change replaces tryptophan, which is neutral and slightly polar, with serine, which is neutral and polar, at codon 1129 of the CACNA2D4 protein (p.Trp1129Ser). In summary, the available evidence is currently insufficient to determine the role of this variant in disease. Therefore, it has been classified as a Variant of Uncertain Significance. Algorithms developed to predict the effect of missense changes on protein structure and function output the following: SIFT: "Deleterious"; PolyPhen-2: "Benign"; Align-GVGD: "Class C0". The serine amino acid residue is found in multiple mammalian species, which suggests that this missense change does not adversely affect protein function. This variant has not been reported in the literature in individuals affected with CACNA2D4-related conditions. This variant is present in population databases (rs775985308, gnomAD 0.0009%).

NM_172364.5(CACNA2D4):c.3386G>C (p.Trp1129Ser)

Gene: CACNA2D4 (calcium voltage-gated channel auxiliary subunit alpha2delta 4; minus strand). Cytogenetic location: 12p13.33.
Variant type: single nucleotide variant.
Coding change: c.3386G>C on transcript NM_172364.5 (MANE Select); coding-DNA position 3386, G replaced by C.
Protein change: p.Trp1129Ser; replaces tryptophan 1129 with serine.
Molecular consequence: missense variant.
Genome position (GRCh38, 1-based): chr12:1,793,683, C>G on the plus strand (G>C on the coding strand, the complement: CACNA2D4 is on the minus strand). VCF-style: chr12-1793683-C-G. GRCh37 (hg19) VCF-style: chr12-1902849-C-G.
Other names: short protein forms W1129S.
Identifiers: ClinVar variation 1469827 (VCV001469827.6), dbSNP rs775985308, ClinGen allele CA6385929.